The following is an entry in ClinVar:

ClinVar aggregate classification (germline): Uncertain significance. Review status: criteria provided, multiple submitters, no conflicts (2 of 4 stars). 4 submissions from 4 submitters: Uncertain significance (4). Last evaluated 2023-10-12.

Conditions:
Hypertrophic cardiomyopathy 11. Also called: ACTC1-Related Familial Hypertrophic Cardiomyopathy. Identifiers: MedGen C2677506, MONDO:0012799, OMIM 612098.
Dilated cardiomyopathy 1R (CMD1R). Identifiers: Orphanet 154, Orphanet 54260, MedGen C3150681, MONDO:0013261, OMIM 613424.
Atrial septal defect 5 (ASD5). Identifiers: Orphanet 1478, MedGen C2748552, MONDO:0013011, OMIM 612794.
Cardiomyopathy (CMYO). Also called: Cardiomyopathies. Identifiers: Orphanet 167848, MedGen C0878544, MONDO:0004994, HP:0001638. Inheritance: Various modes of inheritance.

Allele frequency attached by ClinVar (database versions not stated): gnomAD exomes below 0.00001.
gnomAD v4.1: 2 of 1,614,204 alleles (0.00012%); highest among the groups gnomAD compares: Non-Finnish European, 0.00017%; no homozygotes.

Submissions (4):

Labcorp Genetics (formerly Invitae), Labcorp
Classification: Uncertain significance for Dilated cardiomyopathy 1R; Hypertrophic cardiomyopathy 11; Atrial septal defect 5. Last evaluated: 2023-10-12. Review status: criteria provided, single submitter. Criteria: Invitae Variant Classification Sherloc (09022015). Collection method: clinical testing. Allele origin: germline.
Comment: This sequence change replaces isoleucine, which is neutral and non-polar, with methionine, which is neutral and non-polar, at codon 124 of the ACTC1 protein (p.Ile124Met). This variant is not present in population databases (gnomAD no frequency). This variant has not been reported in the literature in individuals affected with ACTC1-related conditions. ClinVar contains an entry for this variant (Variation ID: 45177). Advanced modeling of protein sequence and biophysical properties (such as structural, functional, and spatial information, amino acid conservation, physicochemical variation, residue mobility, and thermodynamic stability) performed at Invitae indicates that this missense variant is not expected to disrupt ACTC1 protein function. In summary, the available evidence is currently insufficient to determine the role of this variant in disease. Therefore, it has been classified as a Variant of Uncertain Significance.

Color Diagnostics, LLC DBA Color Health
Classification: Uncertain significance for Cardiomyopathy. Last evaluated: 2021-07-06. Review status: criteria provided, single submitter. Criteria: ACMG Guidelines, 2015. Collection method: clinical testing. Allele origin: germline.
Comment: This missense variant replaces isoleucine with methionine at codon 124 of the ACTC1 protein. Computational prediction suggests that this variant may have deleterious impact on protein structure and function (internally defined REVEL score threshold >= 0.7, PMID: 27666373). To our knowledge, functional studies have not been reported for this variant. This variant has not been reported in individuals affected with cardiovascular disorders in the literature. This variant has not been identified in the general population by the Genome Aggregation Database (gnomAD). The available evidence is insufficient to determine the role of this variant in disease conclusively. Therefore, this variant is classified as a Variant of Uncertain Significance.

CHEO Genetics Diagnostic Laboratory, Children's Hospital of Eastern Ontario
Classification: Uncertain significance for Cardiomyopathy. Last evaluated: 2019-11-21. Review status: criteria provided, single submitter. Criteria: ACMG Guidelines, 2015. Collection method: clinical testing. Allele origin: germline.

Laboratory for Molecular Medicine, Mass General Brigham Personalized Medicine
Classification: Uncertain significance. Last evaluated: 2013-01-22. Review status: criteria provided, single submitter. Criteria: LMM Criteria. Collection method: clinical testing. Allele origin: germline. Observed: 1 variant allele.
Comment: The Ile124Met variant in ACTC has not been reported in the literature nor previo usly identified by our laboratory. This variant has also not been identified in large and broad European American and African American populations by the NHLBI Exome Sequencing Project, though it may be co mmon in other populations. Computational analyses (biochemical amino acid proper ties, conservation, AlignGVGD, PolyPhen2, and SIFT) do not provide strong suppor t for or against an impact to the protein. Additional information is needed to f ully assess the clinical significance of this variant.

NM_005159.5(ACTC1):c.372C>G (p.Ile124Met)

Genes: ACTC1 (actin alpha cardiac muscle 1; minus strand), GJD2-DT (GJD2 divergent transcript; plus strand). Cytogenetic location: 15q14.
Variant type: single nucleotide variant.
Coding change: c.372C>G on transcript NM_005159.5 (MANE Select); coding-DNA position 372, C replaced by G.
Protein change: p.Ile124Met; replaces isoleucine 124 with methionine.
Molecular consequence: missense variant.
Genome position (GRCh38, 1-based): chr15:34,793,327, G>C on the plus strand (C>G on the coding strand, the complement: ACTC1 is on the minus strand). VCF-style: chr15-34793327-G-C. GRCh37 (hg19) VCF-style: chr15-35085528-G-C.
Other names: short protein forms I124M.
Identifiers: ClinVar variation 45177 (VCV000045177.19), dbSNP rs397517061, ClinGen allele CA019758.